The following is an entry in ClinVar:

NM_006361.6(HOXB13):c.644G>C (p.Arg215Pro)

Gene: HOXB13 (homeobox B13; minus strand). Cytogenetic location: 17q21.32.
Variant type: single nucleotide variant.
Coding change: c.644G>C on transcript NM_006361.6 (MANE Select); coding-DNA position 644, G replaced by C.
Protein change: p.Arg215Pro; replaces arginine 215 with proline.
Molecular consequence: missense variant.
Genome position (GRCh38, 1-based): chr17:48,727,001, C>G on the plus strand (G>C on the coding strand, the complement: HOXB13 is on the minus strand). VCF-style: chr17-48727001-C-G. GRCh37 (hg19) VCF-style: chr17-46804363-C-G.
Other names: short protein forms R215P.
Identifiers: ClinVar variation 1753598 (VCV001753598.5), dbSNP rs1203218334, ClinGen allele CA400106898.
Genomic context (GRCh38, chr17:48,727,001, plus strand): 5'-TACTCCCGCTCCAGCTCCCGCAACTGCCCCTTGCTGTACGGAATGCGTTTCTTGCGGCCG[C>G]GACGAAAGGCGCAGGCGTCAGGAGGGTGCTGCCCGCTGGAGTCTGCGCGGCGTGAAAGGG-3'
Protein context (NP_006352.2, residues 205-225): QHPPDACAFR[Arg215Pro]GRKKRIPYSK

ClinVar aggregate classification (germline): Uncertain significance. Review status: criteria provided, multiple submitters, no conflicts (2 of 4 stars). 2 submissions from 2 submitters: Uncertain significance (2). Last evaluated 2025-04-19.

Conditions:
Hereditary cancer-predisposing syndrome. Also called: Neoplastic Syndromes, Hereditary; Tumor predisposition; Hereditary Cancer Syndrome; Hereditary neoplastic syndrome. Identifiers: Orphanet 140162, MedGen C0027672, MeSH D009386, MONDO:0015356.

gnomAD v4.1: 1 of 1,610,912 alleles (0.000062%); highest among the groups gnomAD compares: Admixed American, 0.0017%; no homozygotes.

Submissions (2):

Ambry Genetics
Classification: Uncertain significance for Hereditary cancer-predisposing syndrome. Last evaluated: 2025-04-19. Review status: criteria provided, single submitter. Criteria: Ambry Variant Classification Scheme 2023. Collection method: clinical testing. Allele origin: germline.
Comment: The p.R215P variant (also known as c.644G>C), located in coding exon 2 of the HOXB13 gene, results from a G to C substitution at nucleotide position 644. The arginine at codon 215 is replaced by proline, an amino acid with dissimilar properties. This amino acid position is highly conserved in available vertebrate species. In addition, this alteration is predicted to be deleterious by in silico analysis. Since supporting evidence is limited at this time, the clinical significance of this alteration remains unclear.

Labcorp Genetics (formerly Invitae), Labcorp
Classification: Uncertain significance. Last evaluated: 2024-03-23. Review status: criteria provided, single submitter. Criteria: Invitae Variant Classification Sherloc (09022015). Collection method: clinical testing. Allele origin: germline.
Comment: This sequence change replaces arginine, which is basic and polar, with proline, which is neutral and non-polar, at codon 215 of the HOXB13 protein (p.Arg215Pro). This variant is present in population databases (no rsID available, gnomAD 0.003%). This variant has not been reported in the literature in individuals affected with HOXB13-related conditions. ClinVar contains an entry for this variant (Variation ID: 1753598). Advanced modeling of protein sequence and biophysical properties (such as structural, functional, and spatial information, amino acid conservation, physicochemical variation, residue mobility, and thermodynamic stability) has been performed at Invitae for this missense variant, however the output from this modeling did not meet the statistical confidence thresholds required to predict the impact of this variant on HOXB13 protein function. In summary, the available evidence is currently insufficient to determine the role of this variant in disease. Therefore, it has been classified as a Variant of Uncertain Significance.